The following is an entry in ClinVar:

NM_002609.4(PDGFRB):c.1807+8_1807+9insGACTCCACGTGGGAGCTGCCGCGGGACCAGCTTGTGCTGGGTCAGTCCGCG

Gene: PDGFRB (platelet derived growth factor receptor beta; minus strand). Cytogenetic location: 5q32.
Variant type: Insertion.
Coding change: c.1807+8_1807+9insGACTCCACGTGGGAGCTGCCGCGGGACCAGCTTGTGCTGGGTCAGTCCGCG on transcript NM_002609.4 (MANE Select); bases 8 to 9 of the intron after coding-DNA position 1807, GACTCCACGTGGGAGCTGCCGCGGGACCAGCTTGTGCTGGGTCAGTCCGCG inserted.
Molecular consequence: splice donor variant.
Genome position: GRCh38: chr5:150,125,484-150,125,485. GRCh37 (hg19): chr5:149,505,047-149,505,048.
Other names: c.1807+8_1807+9insGCGGACTCCACGTGGGAGCTGCCGCGGGACCAGCTTGTGCTGGGTCAGTCC (NM_002609.4); c.1615+8_1615+9insGACTCCACGTGGGAGCTGCCGCGGGACCAGCTTGTGCTGGGTCAGTCCGCG (NM_001355016.2); c.1324+8_1324+9insGACTCCACGTGGGAGCTGCCGCGGGACCAGCTTGTGCTGGGTCAGTCCGCG (NM_001355017.2).
Identifiers: ClinVar variation 4530359 (VCV004530359.1).

ClinVar aggregate classification (somatic clinical impact): Tier II - Potential (1 of 4 stars; one submission).

Conditions:
Solid tumor. Also called: Solid neoplasm; Solid tumors. Identifiers: MedGen C0280100.

Submission:

Institute for Genomic Medicine (IGM) Clinical Laboratory, Nationwide Children's Hospital
Classification: Tier II - Potential for Solid tumor. Assertion type: diagnostic. Clinical significance: supports diagnosis. Last evaluated: 2025-10-09. Review status: criteria provided, single submitter. Criteria: AMP/ASCO/CAP Guidelines, 2017. Collection method: clinical testing. Allele origin: somatic. Affected: yes.
Comment: Variant has Tier II (potential) clinical significance as a diagnostic inclusion criterion in neoplasm, based on the following evidence: 1) Diagnostic significance based on multiple small studies (Evidence Level C; PMIDs: 28334876, 31017643, 40387903, 30103666, 36788105).

Literature cited by the submitters: PubMed 28334876; PubMed 31017643; PubMed 40387903; PubMed 30103666; PubMed 36788105.